The following is an entry in ClinVar:

NM_001099922.3(ALG13):c.1144A>G (p.Lys382Glu)

Gene: ALG13 (ALG13 UDP-N-acetylglucosaminyltransferase subunit; plus strand). Cytogenetic location: Xq23.
Variant type: single nucleotide variant.
Coding change: c.1144A>G on transcript NM_001099922.3 (MANE Select); coding-DNA position 1144, A replaced by G.
Protein change: p.Lys382Glu; replaces lysine 382 with glutamic acid.
Molecular consequence: missense variant. On other transcripts: non-coding transcript variant (1).
Genome position (GRCh38, 1-based): chrX:111,718,168, A>G. VCF-style: chrX-111718168-A-G. GRCh37 (hg19) VCF-style: chrX-110961396-A-G.
Other names: c.832A>G, p.Lys278Glu (NM_001257230.2, NM_001257234.2, NM_001257237.2 and 1 more transcripts); c.910A>G, p.Lys304Glu (NM_001257231.2); c.1144A>G, p.Lys382Glu (NM_001324292.2); short protein forms K304E, K278E, K382E.
Identifiers: ClinVar variation 862575 (VCV000862575.13), dbSNP rs1940898635, ClinGen allele CA414250970.
Genomic context (GRCh38, chrX:111,718,168, plus strand): 5'-TCAGCTGTATTGTACGAAATTCTCTATAAAGATGTGTTTGTTGTGGATGAAGAAGAGTTG[A>G]AGACTGCGATTAAATTGTTTCGAAGTGGTTCTAAGAAGAACAGAAATAATGCTGTAACTG-3'
Protein context (NP_001093392.1, residues 372-392): DVFVVDEEEL[Lys382Glu]TAIKLFRSGS

ClinVar aggregate classification (germline): Uncertain significance (1 of 4 stars; one submission).

Conditions:
Developmental and epileptic encephalopathy, 36 (DEE36). Also called: Congenital disorder of glycosylation, type Is; ALG13-CDG; Epileptic encephalopathy, early infantile, 36. Identifiers: Orphanet 324422, MedGen C4317295, MONDO:0010472, OMIM 300884.

Submission:

Labcorp Genetics (formerly Invitae), Labcorp
Classification: Uncertain significance for Developmental and epileptic encephalopathy, 36. Last evaluated: 2022-06-13. Review status: criteria provided, single submitter. Criteria: Invitae Variant Classification Sherloc (09022015). Collection method: clinical testing. Allele origin: germline.
Comment: In summary, the available evidence is currently insufficient to determine the role of this variant in disease. Therefore, it has been classified as a Variant of Uncertain Significance. Algorithms developed to predict the effect of missense changes on protein structure and function are either unavailable or do not agree on the potential impact of this missense change (SIFT: "Tolerated"; PolyPhen-2: "Probably Damaging"; Align-GVGD: "Class C0"). ClinVar contains an entry for this variant (Variation ID: 862575). This variant has not been reported in the literature in individuals affected with ALG13-related conditions. This variant is not present in population databases (gnomAD no frequency). This sequence change replaces lysine, which is basic and polar, with glutamic acid, which is acidic and polar, at codon 382 of the ALG13 protein (p.Lys382Glu).